The following is an entry in ClinVar:

ClinVar aggregate classification (germline): Conflicting classifications of pathogenicity. Review status: criteria provided, conflicting classifications (1 of 4 stars). 2 submissions from 2 submitters: Uncertain significance (1); Likely benign (1). Last evaluated 2023-10-22.

Conditions:
Hereditary cancer-predisposing syndrome. Also called: Hereditary neoplastic syndrome; Neoplastic Syndromes, Hereditary; Tumor predisposition; Hereditary Cancer Syndrome. Identifiers: Orphanet 140162, MedGen C0027672, MeSH D009386, MONDO:0015356.

Allele frequency attached by ClinVar (database versions not stated): TOPMed below 0.00001.

Submissions (2):

Labcorp Genetics (formerly Invitae), Labcorp
Classification: Uncertain significance for Hereditary cancer-predisposing syndrome. Last evaluated: 2023-10-22. Review status: criteria provided, single submitter. Criteria: Invitae Variant Classification Sherloc (09022015). Collection method: clinical testing. Allele origin: germline.
Comment: This sequence change replaces aspartic acid, which is acidic and polar, with glutamic acid, which is acidic and polar, at codon 276 of the RAD50 protein (p.Asp276Glu). This variant is not present in population databases (gnomAD no frequency). This variant has not been reported in the literature in individuals affected with RAD50-related conditions. ClinVar contains an entry for this variant (Variation ID: 948956). Advanced modeling of protein sequence and biophysical properties (such as structural, functional, and spatial information, amino acid conservation, physicochemical variation, residue mobility, and thermodynamic stability) performed at Invitae indicates that this missense variant is not expected to disrupt RAD50 protein function. In summary, the available evidence is currently insufficient to determine the role of this variant in disease. Therefore, it has been classified as a Variant of Uncertain Significance.

Ambry Genetics
Classification: Likely benign for Hereditary cancer-predisposing syndrome. Last evaluated: 2023-01-07. Review status: criteria provided, single submitter. Criteria: Ambry Variant Classification Scheme 2023. Collection method: clinical testing. Allele origin: germline.

NM_005732.4(RAD50):c.828T>G (p.Asp276Glu)

Gene: RAD50 (RAD50 double strand break repair protein; plus strand). Cytogenetic location: 5q31.1.
Variant type: single nucleotide variant.
Coding change: c.828T>G on transcript NM_005732.4 (MANE Select); coding-DNA position 828, T replaced by G.
Protein change: p.Asp276Glu; replaces aspartic acid 276 with glutamic acid.
Molecular consequence: missense variant.
Genome position (GRCh38, 1-based): chr5:132,587,633, T>G. VCF-style: chr5-132587633-T-G. GRCh37 (hg19) VCF-style: chr5-131923325-T-G.
Other names: short protein forms D276E.
Identifiers: ClinVar variation 948956 (VCV000948956.9), dbSNP rs1232305395, ClinGen allele CA360940275.